The following is an entry in ClinVar:

ClinVar aggregate classification (germline): Uncertain significance (1 of 4 stars; one submission).

Conditions:
Inborn genetic diseases. Identifiers: MedGen C0950123, MeSH D030342.

gnomAD v4.1: 8 of 1,614,028 alleles (0.0005%); highest among the groups gnomAD compares: Non-Finnish European, 0.00068%; no homozygotes.

Submission:

Ambry Genetics
Classification: Uncertain significance for Inborn genetic diseases. Last evaluated: 2025-03-07. Review status: criteria provided, single submitter. Criteria: Ambry Variant Classification Scheme 2023. Collection method: clinical testing. Allele origin: germline.
Comment: The p.I256M variant (also known as c.768C>G), located in coding exon 6 of the PAX5 gene, results from a C to G substitution at nucleotide position 768. The isoleucine at codon 256 is replaced by methionine, an amino acid with highly similar properties. This amino acid position is conserved. In addition, this alteration is predicted to be deleterious by in silico analysis. Based on the available evidence, the clinical significance of this variant remains unclear.

NM_016734.3(PAX5):c.768C>G (p.Ile256Met)

Gene: PAX5 (paired box 5; minus strand). Cytogenetic location: 9p13.2.
Variant type: single nucleotide variant.
Coding change: c.768C>G on transcript NM_016734.3 (MANE Select); coding-DNA position 768, C replaced by G.
Protein change: p.Ile256Met; replaces isoleucine 256 with methionine.
Molecular consequence: missense variant. On other transcripts: non-coding transcript variant (2).
Genome position (GRCh38, 1-based): chr9:36,966,561, G>C on the plus strand (C>G on the coding strand, the complement: PAX5 is on the minus strand). VCF-style: chr9-36966561-G-C. GRCh37 (hg19) VCF-style: chr9-36966558-G-C.
Other names: c.768C>G, p.Ile256Met (NM_001280547.2, NM_001280548.2, NM_001280549.2 and 2 more transcripts); c.444C>G, p.Ile148Met (NM_001280551.2, NM_001280556.2); c.639C>G, p.Ile213Met (NM_001280553.2, NM_001280554.2); c.570C>G, p.Ile190Met (NM_001280555.2); short protein forms I148M, I190M, I213M, I256M.
Identifiers: ClinVar variation 3885976 (VCV003885976.1).